The following is an entry in ClinVar:

ClinVar aggregate classification (germline): Likely benign. Review status: criteria provided, single submitter (1 of 4 stars). 2 submissions from 2 submitters: Likely benign (1). 1 of the submissions does not count toward it. Last evaluated 2025-11-01.

Conditions:
CIC-related disorder. Also called: CIC-related condition.

Allele frequency attached by ClinVar (database versions not stated): 1000 Genomes Project 0.00040; gnomAD exomes 0.00043; 1000 Genomes Project 30x 0.00047; gnomAD 0.00088; TOPMed 0.00092; ExAC 0.00714.
gnomAD v4.1: 240 of 398,784 alleles (0.06%); highest among the groups gnomAD compares: African/African-American, 0.26%; 1 homozygote.

Submissions (2):

CeGaT Center for Human Genetics Tuebingen
Classification: Likely benign. Last evaluated: 2025-11-01. Review status: criteria provided, single submitter. Criteria: CeGaT Center For Human Genetics Tuebingen Variant Classification Criteria Version 2. Collection method: clinical testing. Allele origin: germline. Affected: yes. Observed: 3 variant alleles.
Comment: CIC: BP4, BP7

PreventionGenetics, part of Exact Sciences
Classification: Likely benign for CIC-related condition. Last evaluated: 2022-02-02. Review status: no assertion criteria provided. Collection method: clinical testing. Allele origin: germline. Not counted in ClinVar's aggregate classification.
Comment: This variant is classified as likely benign based on ACMG/AMP sequence variant interpretation guidelines (Richards et al. 2015 PMID: 25741868, with internal and published modifications).

NM_001386298.1(CIC):c.2013C>T (p.Gly671=)

Gene: CIC (capicua transcriptional repressor; plus strand). Cytogenetic location: 19q13.2.
Variant type: single nucleotide variant.
Coding change: c.2013C>T on transcript NM_001386298.1 (MANE Select); coding-DNA position 2013, C replaced by T.
Protein change: p.Gly671=; no amino-acid change (glycine 671 retained).
Molecular consequence: synonymous variant.
Genome position (GRCh38, 1-based): chr19:42,273,796, C>T. VCF-style: chr19-42273796-C-T. GRCh37 (hg19) VCF-style: chr19-42777948-C-T.
Other names: c.2013C>T, p.Gly671= (NM_001304815.2, NM_001379480.1, NM_001379482.1 and 1 more transcripts).
Identifiers: ClinVar variation 2649961 (VCV002649961.25), dbSNP rs543540678, ClinGen allele CA9471575.